The following is an entry in ClinVar:

NM_001394998.1(TANC2):c.569A>G (p.Gln190Arg)

Gene: TANC2 (tetratricopeptide repeat, ankyrin repeat and coiled-coil containing 2; plus strand). Cytogenetic location: 17q23.3.
Variant type: single nucleotide variant.
Coding change: c.569A>G on transcript NM_001394998.1 (MANE Select); coding-DNA position 569, A replaced by G.
Protein change: p.Gln190Arg; replaces glutamine 190 with arginine.
Molecular consequence: missense variant.
Genome position (GRCh38, 1-based): chr17:63,194,126, A>G. VCF-style: chr17-63194126-A-G. GRCh37 (hg19) VCF-style: chr17-61271487-A-G.
Other names: c.347A>G, p.Gln116Arg (NM_001411076.1, NM_025185.4); short protein forms Q116R, Q190R.
Identifiers: ClinVar variation 1804484 (VCV001804484.1), dbSNP rs1319198280, ClinGen allele CA400793321.

ClinVar aggregate classification (germline): Uncertain significance (1 of 4 stars; one submission).

gnomAD v4.1: 2 of 1,612,826 alleles (0.00012%); highest among the groups gnomAD compares: Non-Finnish European, 0.00017%; no homozygotes.

Submission:

GeneDx
Classification: Uncertain significance. Last evaluated: 2022-06-13. Review status: criteria provided, single submitter. Criteria: GeneDx Variant Classification Process June 2021. Collection method: clinical testing. Allele origin: germline. Affected: yes.
Comment: Not observed at significant frequency in large population cohorts (gnomAD); In silico analysis supports that this missense variant does not alter protein structure/function; Has not been previously published as pathogenic or benign to our knowledge